The following is an entry in ClinVar:

ClinVar aggregate classification (germline): Pathogenic. Review status: criteria provided, multiple submitters, no conflicts (2 of 4 stars). 2 submissions from 2 submitters: Pathogenic (2). Last evaluated 2023-06-12.

Conditions:
USH2A-related disorder. Also called: USH2A-related disorders; USH2A-related condition. Identifiers: MedGen CN239332.

Submissions (2):

Blueprint Genetics
Classification: Pathogenic for USH2A-related disorders. Last evaluated: 2023-06-12. Review status: criteria provided, single submitter. Criteria: ACMG Guidelines, 2015. Collection method: clinical testing. Allele origin: germline. Affected: yes. Observed: 3 variant alleles.

Labcorp Genetics (formerly Invitae), Labcorp
Classification: Pathogenic. Last evaluated: 2022-09-19. Review status: criteria provided, single submitter. Criteria: Invitae Variant Classification Sherloc (09022015). Collection method: clinical testing. Allele origin: germline.
Comment: For these reasons, this variant has been classified as Pathogenic. ClinVar contains an entry for this variant (Variation ID: 1422442). This variant has not been reported in the literature in individuals affected with USH2A-related conditions. This variant is present in population databases (no rsID available, gnomAD 0.0009%). This sequence change creates a premature translational stop signal (p.Glu3542Aspfs*8) in the USH2A gene. It is expected to result in an absent or disrupted protein product. Loss-of-function variants in USH2A are known to be pathogenic (PMID: 10729113, 10909849, 20507924, 25649381).

Literature cited by the submitters: PubMed 10729113 (cited by Labcorp Genetics (formerly Invitae), Labcorp); PubMed 10909849 (cited by Labcorp Genetics (formerly Invitae), Labcorp); PubMed 20507924 (cited by Labcorp Genetics (formerly Invitae), Labcorp); PubMed 25649381 (cited by Labcorp Genetics (formerly Invitae), Labcorp).

NM_206933.4(USH2A):c.10626del (p.Glu3542fs)

Gene: USH2A (usherin; minus strand). Cytogenetic location: 1q41.
Variant type: Deletion.
Coding change: c.10626del on transcript NM_206933.4 (MANE Select); coding-DNA position 10626, one base deleted (A; older notation c.10626delA).
Protein change: p.Glu3542fs; shifts the reading frame from glutamic acid 3542.
Molecular consequence: frameshift variant.
Genome position (GRCh38, 1-based): chr1:215,782,156, T deleted on the plus strand (A on the coding strand, the reverse complement: USH2A is on the minus strand); the first of 2 consecutive T bases (chr1:215,782,156-215,782,157); deleting either gives the same sequence. VCF-style (leftmost placement, unchanged base first): chr1-215782155-GT-G. GRCh37 (hg19) VCF-style: chr1-215955497-GT-G.
Other names: short protein forms E3542fs.
Identifiers: ClinVar variation 1422442 (VCV001422442.7), dbSNP rs1558095403, ClinGen allele CA528711607.
Genomic context (GRCh38, chr1:215,782,155, plus strand): 5'-ATTCCTGAAATGGTTGAATTCCCTCTTTATCAGAGAAGCTCAGTGATGTTCCCCGAAAAC[GT>G]TCAATTCCATTTCGAAGAAGGATGTAGTAAATAATAGGACCTAAAAGAAGCAGAAAAATG-3'